The following is an entry in ClinVar:

NM_203447.4(DOCK8):c.242A>G (p.Gln81Arg)

Genes: DOCK8 (dedicator of cytokinesis 8; plus strand), LOC126860552 (BRD4-independent group 4 enhancer GRCh37_chr9:285795-286994; plus strand). Cytogenetic location: 9p24.3.
Variant type: single nucleotide variant.
Coding change: c.242A>G on transcript NM_203447.4 (MANE Select); coding-DNA position 242, A replaced by G.
Protein change: p.Gln81Arg; replaces glutamine 81 with arginine.
Molecular consequence: missense variant.
Genome position (GRCh38, 1-based): chr9:286,546, A>G. VCF-style: chr9-286546-A-G. GRCh37 (hg19) VCF-style: chr9-286546-A-G.
Other names: c.38A>G, p.Gln13Arg (NM_001190458.2, NM_001193536.2); short protein forms Q81R, Q13R.
Identifiers: ClinVar variation 647032 (VCV000647032.11), dbSNP rs1586600892, ClinGen allele CA372756178.

ClinVar aggregate classification (germline): Uncertain significance (1 of 4 stars; one submission).

Conditions:
Combined immunodeficiency due to DOCK8 deficiency (HIES2). Also called: Hyper-IgE recurrent infection syndrome, autosomal recessive; HYPER-IgE SYNDROME 2, AUTOSOMAL RECESSIVE, WITH RECURRENT INFECTIONS; HIES autosomal recessive; DOCK8 Deficiency; HYPER-IgE RECURRENT INFECTION SYNDROME 2, AUTOSOMAL RECESSIVE. Identifiers: Orphanet 217390, MedGen C4722305, MONDO:0009478, OMIM 243700.

Allele frequency attached by ClinVar (database versions not stated): gnomAD exomes below 0.00001.
gnomAD v4.1: 2 of 1,614,014 alleles (0.00012%); highest among the groups gnomAD compares: Admixed American, 0.0017%; no homozygotes.

Submission:

Labcorp Genetics (formerly Invitae), Labcorp
Classification: Uncertain significance for Combined immunodeficiency due to DOCK8 deficiency. Last evaluated: 2025-03-03. Review status: criteria provided, single submitter. Criteria: Invitae Variant Classification Sherloc (09022015). Collection method: clinical testing. Allele origin: germline.
Comment: This sequence change replaces glutamine, which is neutral and polar, with arginine, which is basic and polar, at codon 81 of the DOCK8 protein (p.Gln81Arg). This variant is not present in population databases (gnomAD no frequency). This variant has not been reported in the literature in individuals affected with DOCK8-related conditions. ClinVar contains an entry for this variant (Variation ID: 647032). Invitae Evidence Modeling of protein sequence and biophysical properties (such as structural, functional, and spatial information, amino acid conservation, physicochemical variation, residue mobility, and thermodynamic stability) indicates that this missense variant is not expected to disrupt DOCK8 protein function with a negative predictive value of 80%. In summary, the available evidence is currently insufficient to determine the role of this variant in disease. Therefore, it has been classified as a Variant of Uncertain Significance.